The following is an entry in ClinVar:

ClinVar aggregate classification (germline): Uncertain significance (1 of 4 stars; one submission).

Allele frequency attached by ClinVar (database versions not stated): gnomAD exomes below 0.00001.
gnomAD v4.1: 2 of 1,613,514 alleles (0.00012%); highest among the groups gnomAD compares: Non-Finnish European, 0.00017%; no homozygotes.

Submission:

Labcorp Genetics (formerly Invitae), Labcorp
Classification: Uncertain significance. Last evaluated: 2021-09-24. Review status: criteria provided, single submitter. Criteria: Invitae Variant Classification Sherloc (09022015). Collection method: clinical testing. Allele origin: germline.
Comment: This sequence change replaces leucine with valine at codon 1836 of the CDH23 protein (p.Leu1836Val). The leucine residue is highly conserved and there is a small physicochemical difference between leucine and valine. This variant is not present in population databases (ExAC no frequency). This variant has not been reported in the literature in individuals with CDH23-related conditions. Algorithms developed to predict the effect of missense changes on protein structure and function are either unavailable or do not agree on the potential impact of this missense change (SIFT: "Deleterious"; PolyPhen-2: "Not Available"; Align-GVGD: "Class C0"). In summary, the available evidence is currently insufficient to determine the role of this variant in disease. Therefore, it has been classified as a Variant of Uncertain Significance.

NM_022124.6(CDH23):c.5506C>G (p.Leu1836Val)

Gene: CDH23 (cadherin related 23; plus strand). Cytogenetic location: 10q22.1.
Variant type: single nucleotide variant.
Coding change: c.5506C>G on transcript NM_022124.6 (MANE Select); coding-DNA position 5506, C replaced by G.
Protein change: p.Leu1836Val; replaces leucine 1836 with valine.
Molecular consequence: missense variant.
Genome position (GRCh38, 1-based): chr10:71,784,894, C>G. VCF-style: chr10-71784894-C-G. GRCh37 (hg19) VCF-style: chr10-73544651-C-G.
Other names: short protein forms L1836V.
Identifiers: ClinVar variation 1479011 (VCV001479011.5), dbSNP rs2132939100, ClinGen allele CA377146231.